The following is an entry in ClinVar:

ClinVar aggregate classification (germline): Conflicting classifications of pathogenicity. Review status: criteria provided, conflicting classifications (1 of 4 stars). 7 submissions from 7 submitters: Uncertain significance (2); Benign (1); Likely benign (4). Last evaluated 2026-02-19.

Conditions:
SYNE2-related disorder. Also called: SYNE2-related condition.
Emery-Dreifuss muscular dystrophy 5, autosomal dominant (EDMD5). Also called: EMERY-DREIFUSS MUSCULAR DYSTROPHY 5. Identifiers: Orphanet 261, MedGen C2751805, MONDO:0013072, OMIM 612999.

Allele frequency attached by ClinVar (database versions not stated): ESP Exome Variant Server 0.00023; TOPMed 0.00027; 1000 Genomes Project 0.00120; 1000 Genomes Project 30x 0.00141.
gnomAD v4.1: 409 of 1,614,140 alleles (0.025%); highest among the groups gnomAD compares: Admixed American, 0.08%; no homozygotes.

Submissions (7):

PreventionGenetics, part of Exact Sciences
Classification: Likely benign for SYNE2-related condition. Last evaluated: 2026-02-19. Review status: criteria provided, single submitter. Criteria: ACMG Guidelines, 2015. Collection method: clinical testing. Allele origin: germline.
Comment: This variant is classified as likely benign based on ACMG/AMP sequence variant interpretation guidelines (Richards et al. 2015 PMID: 25741868, with internal and published modifications).

Labcorp Genetics (formerly Invitae), Labcorp
Classification: Likely benign for Emery-Dreifuss muscular dystrophy 5, autosomal dominant. Last evaluated: 2025-11-18. Review status: criteria provided, single submitter. Criteria: Invitae Variant Classification Sherloc (09022015). Collection method: clinical testing. Allele origin: germline.

Ambry Genetics
Classification: Uncertain significance. Last evaluated: 2024-10-09. Review status: criteria provided, single submitter. Criteria: Ambry Variant Classification Scheme 2023. Collection method: clinical testing. Allele origin: germline.

CeGaT Center for Human Genetics Tuebingen
Classification: Likely benign. Last evaluated: 2022-07-01. Review status: criteria provided, single submitter. Criteria: CeGaT Center For Human Genetics Tuebingen Variant Classification Criteria Version 2. Collection method: clinical testing. Allele origin: germline. Affected: yes. Observed: 1 variant allele.
Comment: SYNE2: BP4, BS2

Revvity Omics, Revvity
Classification: Uncertain significance for Emery-Dreifuss muscular dystrophy 5, autosomal dominant. Last evaluated: 2019-03-26. Review status: criteria provided, single submitter. Criteria: ACMG Guidelines, 2015. Collection method: clinical testing. Allele origin: germline.

Athena Diagnostics
Classification: Likely benign. Last evaluated: 2019-03-25. Review status: criteria provided, single submitter. Criteria: Athena Diagnostics Criteria. Collection method: clinical testing. Allele origin: germline.

Illumina Laboratory Services, Illumina
Classification: Benign for Emery-Dreifuss muscular dystrophy 5, autosomal dominant. Last evaluated: 2018-01-13. Review status: criteria provided, single submitter. Criteria: ICSL Variant Classification Criteria 13 December 2019. Collection method: clinical testing. Allele origin: germline.
Comment: This variant was observed in the ICSL laboratory as part of a predisposition screen in an ostensibly healthy population. It had not been previously curated by ICSL or reported in the Human Gene Mutation Database (HGMD: prior to June 1st, 2018), and was therefore a candidate for classification through an automated scoring system. Utilizing variant allele frequency, disease prevalence and penetrance estimates, and inheritance mode, an automated score was calculated to assess if this variant is too frequent to cause the disease. Based on the score and internal cut-off values, a variant classified as benign is not then subjected to further curation. The score for this variant resulted in a classification of benign for this disease.

NM_182914.3(SYNE2):c.18190G>A (p.Ala6064Thr)

Gene: SYNE2 (spectrin repeat containing nuclear envelope protein 2; plus strand). Cytogenetic location: 14q23.2.
Variant type: single nucleotide variant.
Coding change: c.18190G>A on transcript NM_182914.3 (MANE Select); coding-DNA position 18190, G replaced by A.
Protein change: p.Ala6064Thr; replaces alanine 6064 with threonine.
Molecular consequence: missense variant.
Genome position (GRCh38, 1-based): chr14:64,202,952, G>A. VCF-style: chr14-64202952-G-A. GRCh37 (hg19) VCF-style: chr14-64669670-G-A.
Other names: c.18190G>A, p.Ala6064Thr (NM_015180.6); short protein forms A6064T.
Identifiers: ClinVar variation 313637 (VCV000313637.45), dbSNP rs182079744, ClinGen allele CA7223961.